The following is an entry in ClinVar:

NM_000062.3(SERPING1):c.908T>C (p.Phe303Ser)

Gene: SERPING1 (serpin family G member 1; plus strand). Cytogenetic location: 11q12.1.
Variant type: single nucleotide variant.
Coding change: c.908T>C on transcript NM_000062.3 (MANE Select); coding-DNA position 908, T replaced by C.
Protein change: p.Phe303Ser; replaces phenylalanine 303 with serine.
Molecular consequence: missense variant.
Genome position (GRCh38, 1-based): chr11:57,606,426, T>C. VCF-style: chr11-57606426-T-C. GRCh37 (hg19) VCF-style: chr11-57373899-T-C.
Other names: c.908T>C, p.Phe303Ser (NM_001032295.2); short protein forms F303S.
Identifiers: ClinVar variation 690347 (VCV000690347.5), dbSNP rs1590826703, ClinGen allele CA380700172.

ClinVar aggregate classification (germline): Conflicting classifications of pathogenicity. Review status: criteria provided, conflicting classifications (1 of 4 stars). 3 submissions from 3 submitters: Pathogenic (2); Uncertain significance (1). Last evaluated 2024-07-21.

Conditions:
Hereditary angioedema type 1 (HAE1). Identifiers: Orphanet 100050, Orphanet 100051, Orphanet 91378, MedGen C2717906, MONDO:0015053, OMIM 106100.

Submissions (3):

DNA-diagnostics Laboratory, Research Centre For Medical Genetics
Classification: Pathogenic for Hereditary angioedema type 1. Last evaluated: 2024-07-21. Review status: criteria provided, single submitter. Criteria: ACMG Guidelines, 2015. Collection method: research. Allele origin: germline. Inheritance: Autosomal dominant inheritance. Affected: yes. Observed: 5 variant alleles, 5 heterozygotes.
Comment: According to our observation and the published information of Gösswein et al., 2008, Loules et al., 2018 and Ponard et all, 2020, the c.908T>C variant in SERPING1 meets ACMG/ClinGen SVI guidance criteria to be classified as pathogenic: PP3_Str, PS4_Mod, PP4_Mod, PP1_Mod, PM2_Sup, PP2

GeneDx
Classification: Uncertain significance. Last evaluated: 2019-12-04. Review status: criteria provided, single submitter. Criteria: GeneDx Variant Classification Process June 2021. Collection method: clinical testing. Allele origin: germline. Affected: yes.
Comment: Not observed in large population cohorts (Lek et al., 2016); In silico analysis, which includes protein predictors and evolutionary conservation, supports a deleterious effect; This variant is associated with the following publications: (PMID: 29753808, 25258140, 18758157)

Department of Immunology and Histocompatibility, University of Thessaly
Classification: Pathogenic for Hereditary angioedema type 1. Review status: criteria provided, single submitter. Criteria: ACMG Guidelines, 2015. Collection method: clinical testing. Allele origin: germline. Affected: yes. Observed: 2 variant alleles.
Comment: The c.908T>C (p.Phe303Ser) variant has been previously reported in association with hereditary angioedema in the literature (Gosswein et al., 2008, Speletas et al., 2015, Loules et al., 2018) and in HAE database. It was detected by our laboratory in 2 C1-INH HAE Type I patients, members of a greek family. It has never been detected in approximately 120000 individuals of the Exome Aggregation Consortium (ExAC), indicating that it is not a common variant. Bioinformatic tool PolyPhen2 consider this variant as probably damaging. Another missense mutation in the same position, c.908T>G (p.Phe303Cys) has been previously reported in the literature in asociation with the disease (Verpy et al., 1996). Taking all the above into account and according to ACMG Guidelines (Criteria: PS1, PM2, PM5, PP1, PP2, PP3, PP4, PP5) the variant is considered pathogenic.

Literature cited by the submitters: PubMed 18758157 (cited by DNA-diagnostics Laboratory, Research Centre For Medical Genetics); DOI 10.1016/j.gene.2018.05.029 (cited by DNA-diagnostics Laboratory, Research Centre For Medical Genetics); DOI 10.1002/humu.23917 (cited by DNA-diagnostics Laboratory, Research Centre For Medical Genetics); PubMed 29753808 (cited by Department of Immunology and Histocompatibility, University of Thessaly).